The following is an entry in ClinVar:

NR_023343.3(RNU4ATAC):n.121T>C

Genes: CLASP1 (cytoplasmic linker associated protein 1; minus strand), CLASP1-AS1 (CLASP1 antisense RNA 1; plus strand), RNU4ATAC (RNA, U4atac small nuclear; plus strand). Cytogenetic location: 2q14.2.
Variant type: single nucleotide variant.
Molecular consequence: non-coding transcript variant (on NR_023343.3). On other transcripts: intron variant (8).
Genome position: GRCh38 VCF-style: chr2-121531000-T-C. GRCh37 (hg19) VCF-style: chr2-122288576-T-C.
Other names: c.196-675A>G (NM_001142274.2, NM_015282.3, NM_001378003.1 and 5 more transcripts).
Identifiers: ClinVar variation 3697034 (VCV003697034.1).

ClinVar aggregate classification (germline): Uncertain significance (1 of 4 stars; one submission).

gnomAD v4.1: 8 of 700,276 alleles (0.0011%); highest among the groups gnomAD compares: Admixed American, 0.004%; no homozygotes.

Submission:

Labcorp Genetics (formerly Invitae), Labcorp
Classification: Uncertain significance. Last evaluated: 2024-08-23. Review status: criteria provided, single submitter. Criteria: Invitae Variant Classification Sherloc (09022015). Collection method: clinical testing. Allele origin: germline.
Comment: This variant occurs in the RNU4ATAC gene, which encodes an RNA molecule that does not result in a protein product. This variant is present in population databases (no rsID available, gnomAD 0.002%). This variant has not been reported in the literature in individuals affected with RNU4ATAC-related conditions. This variant is located within the Sm protein-binding region of the RNU4ATAC RNA, which is important for small nuclear RNA maturation (PMID: 32628740). A significant number of disease-associated RNU4ATAC variants are found in this region (PMID: 32628740, 30368667). In summary, the available evidence is currently insufficient to determine the role of this variant in disease. Therefore, it has been classified as a Variant of Uncertain Significance.

Literature cited by the submitters: PubMed 32628740; PubMed 30368667.